The following is an entry in ClinVar:

ClinVar aggregate classification (germline): Uncertain significance (1 of 4 stars; one submission).

Conditions:
Werner syndrome (WRN). Identifiers: Orphanet 902, MedGen C0043119, MONDO:0010196, OMIM 277700.

Submission:

Labcorp Genetics (formerly Invitae), Labcorp
Classification: Uncertain significance for Werner syndrome. Last evaluated: 2023-06-16. Review status: criteria provided, single submitter. Criteria: Invitae Variant Classification Sherloc (09022015). Collection method: clinical testing. Allele origin: germline.
Comment: In summary, the available evidence is currently insufficient to determine the role of this variant in disease. Therefore, it has been classified as a Variant of Uncertain Significance. An algorithm developed to predict the effect of missense changes on protein structure and function (PolyPhen-2) suggests that this variant is likely to be tolerated. This variant has not been reported in the literature in individuals affected with WRN-related conditions. This variant is not present in population databases (gnomAD no frequency). This sequence change replaces lysine, which is basic and polar, with glutamic acid, which is acidic and polar, at codon 450 of the WRN protein (p.Lys450Glu).

NM_000553.6(WRN):c.1348A>G (p.Lys450Glu)

Gene: WRN (WRN RecQ like helicase; plus strand). Cytogenetic location: 8p12.
Variant type: single nucleotide variant.
Coding change: c.1348A>G on transcript NM_000553.6 (MANE Select); coding-DNA position 1348, A replaced by G.
Protein change: p.Lys450Glu; replaces lysine 450 with glutamic acid.
Molecular consequence: missense variant.
Genome position (GRCh38, 1-based): chr8:31,083,777, A>G. VCF-style: chr8-31083777-A-G. GRCh37 (hg19) VCF-style: chr8-30941293-A-G.
Other names: short protein forms K450E.
Identifiers: ClinVar variation 2717097 (VCV002717097.3), dbSNP rs1184139051, ClinGen allele CA370922951.